The following is an entry in ClinVar:

ClinVar aggregate classification (germline): Uncertain significance (1 of 4 stars; one submission).

Submission:

GeneDx
Classification: Uncertain significance. Last evaluated: 2024-09-27. Review status: criteria provided, single submitter. Criteria: GeneDx Variant Classification Process June 2021. Collection method: clinical testing. Allele origin: germline. Affected: yes.
Comment: Not observed at significant frequency in large population cohorts (gnomAD); Has not been previously published as pathogenic or benign to our knowledge; Located in a regulatory region; in the absence of functional studies, the actual effect of this sequence change is unknown

NM_005458.8(GABBR2):c.-2G>C

Gene: GABBR2 (gamma-aminobutyric acid type B receptor subunit 2; minus strand). Cytogenetic location: 9q22.33.
Variant type: single nucleotide variant.
Coding change: c.-2G>C on transcript NM_005458.8 (MANE Select); 2 bases upstream of the start codon, G replaced by C.
Molecular consequence: 5 prime UTR variant.
Genome position (GRCh38, 1-based): chr9:98,708,739, C>G on the plus strand (G>C on the coding strand, the complement: GABBR2 is on the minus strand). VCF-style: chr9-98708739-C-G. GRCh37 (hg19) VCF-style: chr9-101471021-C-G.
Identifiers: ClinVar variation 3774672 (VCV003774672.1).